The following is an entry in ClinVar:

NM_153704.6(TMEM67):c.177C>T (p.Ala59=)

Gene: TMEM67 (transmembrane protein 67; plus strand). Cytogenetic location: 8q22.1.
Variant type: single nucleotide variant.
Coding change: c.177C>T on transcript NM_153704.6 (MANE Select); coding-DNA position 177, C replaced by T.
Protein change: p.Ala59=; no amino-acid change (alanine 59 retained).
Molecular consequence: synonymous variant. On other transcripts: 5 prime UTR variant (1), non-coding transcript variant (1).
Genome position (GRCh38, 1-based): chr8:93,755,091, C>T. VCF-style: chr8-93755091-C-T. GRCh37 (hg19) VCF-style: chr8-94767319-C-T.
Other names: c.-108C>T (NM_001142301.1).
Identifiers: ClinVar variation 2927919 (VCV002927919.4), dbSNP rs772188678, ClinGen allele CA4807528.

ClinVar aggregate classification (germline): Likely benign. Review status: criteria provided, multiple submitters, no conflicts (2 of 4 stars). 2 submissions from 2 submitters: Likely benign (2). Last evaluated 2026-08-18.

Conditions:
TMEM67-related disorder. Also called: TMEM67-related condition; TMEM67-related disorders. Identifiers: MedGen CN239423.
Meckel-Gruber syndrome. Also called: Dysencephalia splachnocystica; DYSENCEPHALIA SPLANCHNOCYSTICA; GRUBER SYNDROME. Identifiers: Orphanet 564, MedGen C0265215, MONDO:0018921.
Joubert syndrome. Also called: Familial aplasia of the vermis; JOUBERT-BOLTSHAUSER SYNDROME. Identifiers: Orphanet 475, MedGen C5979921, MONDO:0018772.

Allele frequency attached by ClinVar (database versions not stated): gnomAD exomes below 0.00001; TOPMed below 0.00001; ExAC 0.00002.
gnomAD v4.1: 5 of 1,614,208 alleles (0.00031%); highest among the groups gnomAD compares: Non-Finnish European, 0.00034%; no homozygotes.

Submissions (2):

PreventionGenetics, part of Exact Sciences
Classification: Likely benign for TMEM67-related condition. Last evaluated: 2026-08-18. Review status: criteria provided, single submitter. Criteria: ACMG Guidelines, 2015. Collection method: clinical testing. Allele origin: germline.
Comment: This variant is classified as likely benign based on ACMG/AMP sequence variant interpretation guidelines (Richards et al. 2015 PMID: 25741868, with internal and published modifications).

Labcorp Genetics (formerly Invitae), Labcorp
Classification: Likely benign for Joubert syndrome; Meckel-Gruber syndrome. Last evaluated: 2026-01-20. Review status: criteria provided, single submitter. Criteria: Invitae Variant Classification Sherloc (09022015). Collection method: clinical testing. Allele origin: germline.